The following is an entry in ClinVar:

ClinVar aggregate classification (germline): Likely pathogenic (1 of 4 stars; one submission).

Conditions:
Dilated cardiomyopathy 1G (CMD1G). Identifiers: Orphanet 154, MedGen C1858763, MONDO:0011400, OMIM 604145.
Autosomal recessive limb-girdle muscular dystrophy type 2J (LGMDR10). Also called: MUSCULAR DYSTROPHY, LIMB-GIRDLE, AUTOSOMAL RECESSIVE 10; Limb-girdle muscular dystrophy, type 2J. Identifiers: Orphanet 140922, MedGen C1837342, MONDO:0012127, OMIM 608807.

Submission:

Labcorp Genetics (formerly Invitae), Labcorp
Classification: Likely pathogenic for Dilated cardiomyopathy 1G; Autosomal recessive limb-girdle muscular dystrophy type 2J. Last evaluated: 2023-09-26. Review status: criteria provided, single submitter. Criteria: Invitae Variant Classification Sherloc (09022015). Collection method: clinical testing. Allele origin: germline.
Comment: This sequence change creates a premature translational stop signal (p.Leu17535*) in the TTN gene. While this is not anticipated to result in nonsense mediated decay, it is expected to create a truncated TTN protein. This variant is not present in population databases (gnomAD no frequency). This variant has not been reported in the literature in individuals affected with TTN-related conditions. ClinVar contains an entry for this variant (Variation ID: 2003722). This variant is located in the A band of TTN (PMID: 25589632). Truncating variants in this region are significantly overrepresented in patients affected with dilated cardiomyopathy (PMID: 25589632). Truncating variants in this region have also been reported in individuals affected with autosomal recessive centronuclear myopathy (PMID: 23975875). In summary, the currently available evidence indicates that the variant is pathogenic, but additional data are needed to prove that conclusively. Therefore, this variant has been classified as Likely Pathogenic.

Literature cited by the submitters: PubMed 25589632; PubMed 23975875.

NM_001267550.2(TTN):c.52604T>G (p.Leu17535Ter)

Genes: TTN (titin; minus strand), TTN-AS1 (TTN antisense RNA 1; plus strand), LOC126806425 (BRD4-independent group 4 enhancer GRCh37_chr2:179471933-179473132; plus strand). Cytogenetic location: 2q31.2.
Variant type: single nucleotide variant.
Coding change: c.52604T>G on transcript NM_001267550.2 (MANE Select); coding-DNA position 52604, T replaced by G.
Protein change: p.Leu17535Ter; replaces leucine 17535 with a stop codon.
Molecular consequence: nonsense.
Genome position (GRCh38, 1-based): chr2:178,608,279, A>C on the plus strand (T>G on the coding strand, the complement: TTN is on the minus strand). VCF-style: chr2-178608279-A-C. GRCh37 (hg19) VCF-style: chr2-179473006-A-C.
Other names: c.47681T>G, p.Leu15894Ter (NM_001256850.1); c.25409T>G, p.Leu8470Ter (NM_003319.4); c.44900T>G, p.Leu14967Ter (NM_133378.4); c.25784T>G, p.Leu8595Ter (NM_133432.3); c.25985T>G, p.Leu8662Ter (NM_133437.4); short protein forms L14967*, L8470*, L8595*, L17535*, L15894*, L8662*.
Identifiers: ClinVar variation 2003722 (VCV002003722.4), dbSNP rs2470328795, ClinGen allele CA349572593.